The following is an entry in ClinVar:

NM_014946.4(SPAST):c.415+1G>C

Gene: SPAST (spastin; plus strand). Cytogenetic location: 2p22.3.
Variant type: single nucleotide variant.
Coding change: c.415+1G>C on transcript NM_014946.4 (MANE Select); the canonical splice donor site of the intron after coding-DNA position 415, G replaced by C.
Molecular consequence: splice donor variant.
Genome position (GRCh38, 1-based): chr2:32,064,247, G>C. VCF-style: chr2-32064247-G-C. GRCh37 (hg19) VCF-style: chr2-32289316-G-C.
Other names: c.415+1G>C (NM_199436.2, NM_001377959.1, NM_001363823.2 and 2 more transcripts).
Identifiers: ClinVar variation 2015364 (VCV002015364.5), dbSNP rs1057521135, ClinGen allele CA346602524.

ClinVar aggregate classification (germline): Pathogenic. Review status: criteria provided, multiple submitters, no conflicts (2 of 4 stars). 2 submissions from 2 submitters: Pathogenic (2). Last evaluated 2024-11-27.

Conditions:
Hereditary spastic paraplegia 4. Also called: Spastic Paraplegia 4; Spastic paraplegia 4, autosomal dominant; Familial spastic paraplegia autosomal dominant 2. Identifiers: Orphanet 100985, MedGen C1866855, MONDO:0008438, OMIM 182601.

Submissions (2):

Labcorp Genetics (formerly Invitae), Labcorp
Classification: Pathogenic for Hereditary spastic paraplegia 4. Last evaluated: 2024-11-27. Review status: criteria provided, single submitter. Criteria: Invitae Variant Classification Sherloc (09022015). Collection method: clinical testing. Allele origin: germline.
Comment: This sequence change affects a donor splice site in intron 1 of the SPAST gene. It is expected to disrupt RNA splicing. Variants that disrupt the donor or acceptor splice site typically lead to a loss of protein function (PMID: 16199547), and loss-of-function variants in SPAST are known to be pathogenic (PMID: 20932283). This variant is not present in population databases (gnomAD no frequency). Disruption of this splice site has been observed in individuals with hereditary spastic paraplegia (PMID: 16055926). ClinVar contains an entry for this variant (Variation ID: 2015364). Algorithms developed to predict the effect of sequence changes on RNA splicing suggest that this variant may disrupt the consensus splice site. For these reasons, this variant has been classified as Pathogenic.

Mayo Clinic Laboratories, Mayo Clinic
Classification: Pathogenic. Last evaluated: 2023-11-01. Review status: criteria provided, single submitter. Criteria: ACMG Guidelines, 2015. Collection method: clinical testing. Allele origin: germline. Observed: 1 variant allele.
Comment: PM2_moderate, PS1, PVS1

Literature cited by the submitters: PubMed 16199547 (cited by Labcorp Genetics (formerly Invitae), Labcorp); PubMed 20932283 (cited by Labcorp Genetics (formerly Invitae), Labcorp); PubMed 16055926 (cited by Labcorp Genetics (formerly Invitae), Labcorp).